The following is an entry in ClinVar:

ClinVar aggregate classification (germline): Uncertain significance (1 of 4 stars; one submission).

Conditions:
Neurodevelopmental disorder. Identifiers: MedGen C1535926, MeSH D065886, MONDO:0700092.

gnomAD v4.1: 1 of 1,096,596 alleles (0.000091%); highest among the groups gnomAD compares: Non-Finnish European, 0.00012%; no homozygotes.

Submission:

Broad Center for Mendelian Genomics, Broad Institute of MIT and Harvard
Classification: Uncertain significance for Neurodevelopmental disorder. Last evaluated: 2026-03-02. Review status: criteria provided, single submitter. Criteria: ACMG Guidelines, 2015. Collection method: research. Allele origin: germline. Inheritance: Autosomal dominant inheritance.
Comment: The p.Ser616Ter variant in LRCH2 has not been previously reported in the literature in individuals with neurodevelopmental disorders, and was absent from large population studies. This nonsense variant leads to a premature termination codon at position 616, which is predicted to lead to a truncated or absent protein. It is of note that loss of function of LRCH2 in an autosomal dominant disease has not yet been established based on the criteria laid out in Tayoun et al., 2018 (PMID: 30192042). While variants in the LRCH2 gene have been reported in individuals with neurodevelopmental disorders, this association has not been definitively established. In summary, given the limited information about this gene-disease relationship, the significance of the p.Ser616Ter variant is uncertain.

NM_020871.4(LRCH2):c.1847C>A (p.Ser616Ter)

Gene: LRCH2 (leucine rich repeats and calponin homology domain containing 2; minus strand). Cytogenetic location: Xq23.
Variant type: single nucleotide variant.
Coding change: c.1847C>A on transcript NM_020871.4 (MANE Select); coding-DNA position 1847, C replaced by A.
Protein change: p.Ser616Ter; replaces serine 616 with a stop codon.
Molecular consequence: nonsense.
Genome position (GRCh38, 1-based): chrX:115,123,947, G>T on the plus strand (C>A on the coding strand, the complement: LRCH2 is on the minus strand). VCF-style: chrX-115123947-G-T. GRCh37 (hg19) VCF-style: chrX-114358510-G-T.
Other names: NM_001243963.2:c.1796C>A; c.1796C>A, p.Ser599Ter (NM_001243963.2); short protein forms S599*, S616*.
Identifiers: ClinVar variation 4819481 (VCV004819481.1).
Genomic context (GRCh38, chrX:115,123,947, plus strand): 5'-GCTGGGAAACTAGTTTCATATATAACTAATAAATTTTATTTACAGAATATCTATTTACCT[G>T]ATCTAGGCTTCAAGCCAAAGGGACTGTGTGAAAAACCATCAGTTCTGTCATATTCCTAAA-3'